The following is an entry in ClinVar:

NM_017671.5(FERMT1):c.1525G>A (p.Glu509Lys)

Gene: FERMT1 (FERM domain containing kindlin 1; minus strand). Cytogenetic location: 20p12.3.
Variant type: single nucleotide variant.
Coding change: c.1525G>A on transcript NM_017671.5 (MANE Select); coding-DNA position 1525, G replaced by A.
Protein change: p.Glu509Lys; replaces glutamic acid 509 with lysine.
Molecular consequence: missense variant.
Genome position (GRCh38, 1-based): chr20:6,085,134, C>T on the plus strand (G>A on the coding strand, the complement: FERMT1 is on the minus strand). VCF-style: chr20-6085134-C-T. GRCh37 (hg19) VCF-style: chr20-6065781-C-T.
Other names: short protein forms E509K.
Identifiers: ClinVar variation 1415297 (VCV001415297.5), dbSNP rs151300234, ClinGen allele CA9758123.

ClinVar aggregate classification (germline): Uncertain significance (1 of 4 stars; one submission).

Allele frequency attached by ClinVar (database versions not stated): gnomAD exomes 0.00002 and 0.00007; ExAC 0.00003; gnomAD 0.00006; TOPMed 0.00006; ESP Exome Variant Server 0.00008.

Submission:

Labcorp Genetics (formerly Invitae), Labcorp
Classification: Uncertain significance. Last evaluated: 2022-05-19. Review status: criteria provided, single submitter. Criteria: Invitae Variant Classification Sherloc (09022015). Collection method: clinical testing. Allele origin: germline.
Comment: This sequence change replaces glutamic acid, which is acidic and polar, with lysine, which is basic and polar, at codon 509 of the FERMT1 protein (p.Glu509Lys). This variant is present in population databases (rs151300234, gnomAD 0.005%). This variant has not been reported in the literature in individuals affected with FERMT1-related conditions. Algorithms developed to predict the effect of missense changes on protein structure and function (SIFT, PolyPhen-2, Align-GVGD) all suggest that this variant is likely to be tolerated. In summary, the available evidence is currently insufficient to determine the role of this variant in disease. Therefore, it has been classified as a Variant of Uncertain Significance.